The following is an entry in ClinVar:

ClinVar aggregate classification (germline): Likely benign (0 of 4 stars; one submission).

Conditions:
UBN2-related disorder. Also called: UBN2-related condition.

Allele frequency attached by ClinVar (database versions not stated): ExAC 0.00006; gnomAD 0.00012; ESP Exome Variant Server 0.00017; TOPMed 0.00025; 1000 Genomes Project 0.00040; 1000 Genomes Project 30x 0.00047.
gnomAD v4.1: 146 of 1,614,102 alleles (0.009%); highest among the groups gnomAD compares: Admixed American, 0.042%; no homozygotes.

Submission:

PreventionGenetics, part of Exact Sciences
Classification: Likely benign for UBN2-related condition. Last evaluated: 2019-03-28. Review status: no assertion criteria provided. Collection method: clinical testing. Allele origin: germline.
Comment: This variant is classified as likely benign based on ACMG/AMP sequence variant interpretation guidelines (Richards et al. 2015 PMID: 25741868, with internal and published modifications).

NM_173569.4(UBN2):c.2511A>G (p.Thr837=)

Gene: UBN2 (ubinuclein 2; plus strand). Cytogenetic location: 7q34.
Variant type: single nucleotide variant.
Coding change: c.2511A>G on transcript NM_173569.4 (MANE Select); coding-DNA position 2511, A replaced by G.
Protein change: p.Thr837=; no amino-acid change (threonine 837 retained).
Molecular consequence: synonymous variant.
Genome position (GRCh38, 1-based): chr7:139,283,416, A>G. VCF-style: chr7-139283416-A-G. GRCh37 (hg19) VCF-style: chr7-138968162-A-G.
Identifiers: ClinVar variation 3057481 (VCV003057481.2), dbSNP rs180895209, ClinGen allele CA4509196.